The following is an entry in ClinVar:

NM_130466.4(UBE3B):c.2380G>A (p.Val794Met)

Gene: UBE3B (ubiquitin protein ligase E3B; plus strand). Cytogenetic location: 12q24.11.
Variant type: single nucleotide variant.
Coding change: c.2380G>A on transcript NM_130466.4 (MANE Select); coding-DNA position 2380, G replaced by A.
Protein change: p.Val794Met; replaces valine 794 with methionine.
Molecular consequence: missense variant.
Genome position (GRCh38, 1-based): chr12:109,523,993, G>A. VCF-style: chr12-109523993-G-A. GRCh37 (hg19) VCF-style: chr12-109961798-G-A.
Other names: c.2380G>A, p.Val794Met (NM_183415.3); c.2380G>A (NM_130466.2); short protein forms V794M.
Identifiers: ClinVar variation 2198319 (VCV002198319.5), dbSNP rs150941198, ClinGen allele CA6778206.

ClinVar aggregate classification (germline): Uncertain significance. Review status: criteria provided, multiple submitters, no conflicts (2 of 4 stars). 2 submissions from 2 submitters: Uncertain significance (2). Last evaluated 2025-07-01.

Conditions:
Inborn genetic diseases. Identifiers: MedGen C0950123, MeSH D030342.

Allele frequency attached by ClinVar (database versions not stated): gnomAD 0.00001; gnomAD exomes 0.00001; ExAC 0.00002; TOPMed 0.00002; ESP Exome Variant Server 0.00008.
gnomAD v4.1: 23 of 1,613,910 alleles (0.0014%); highest among the groups gnomAD compares: Non-Finnish European, 0.0017%; no homozygotes.

Submissions (2):

Ambry Genetics
Classification: Uncertain significance for Inborn genetic diseases. Last evaluated: 2025-07-01. Review status: criteria provided, single submitter. Criteria: Ambry Variant Classification Scheme 2023. Collection method: clinical testing. Allele origin: germline.

Labcorp Genetics (formerly Invitae), Labcorp
Classification: Uncertain significance. Last evaluated: 2022-03-29. Review status: criteria provided, single submitter. Criteria: Invitae Variant Classification Sherloc (09022015). Collection method: clinical testing. Allele origin: germline.
Comment: In summary, the available evidence is currently insufficient to determine the role of this variant in disease. Therefore, it has been classified as a Variant of Uncertain Significance. Algorithms developed to predict the effect of missense changes on protein structure and function are either unavailable or do not agree on the potential impact of this missense change (SIFT: "Deleterious"; PolyPhen-2: "Probably Damaging"; Align-GVGD: "Class C0"). This variant has not been reported in the literature in individuals affected with UBE3B-related conditions. This variant is present in population databases (rs150941198, gnomAD 0.003%). This sequence change replaces valine, which is neutral and non-polar, with methionine, which is neutral and non-polar, at codon 794 of the UBE3B protein (p.Val794Met).